The following is an entry in ClinVar:

NM_004100.5(EYA4):c.437+2T>A

Gene: EYA4 (EYA transcriptional coactivator and phosphatase 4; plus strand). Cytogenetic location: 6q23.2.
Variant type: single nucleotide variant.
Coding change: c.437+2T>A on transcript NM_004100.5 (MANE Select); the canonical splice donor site of the intron after coding-DNA position 437, T replaced by A.
Molecular consequence: splice donor variant.
Genome position (GRCh38, 1-based): chr6:133,461,182, T>A. VCF-style: chr6-133461182-T-A. GRCh37 (hg19) VCF-style: chr6-133782320-T-A.
Other names: c.437+2T>A (NM_001301013.2, NM_172105.4); c.368+2T>A (NM_001370458.1, NM_172103.4); c.275+2T>A (NM_001370459.1, NM_001301012.2).
Identifiers: ClinVar variation 5006970 (VCV005006970.2).

ClinVar aggregate classification (germline): Likely pathogenic (1 of 4 stars; one submission).

Conditions:
Autosomal dominant nonsyndromic hearing loss 10. Identifiers: Orphanet 90635, MedGen C1832476, MONDO:0011031, OMIM 601316.

Submission:

Juno Genomics, Hangzhou Juno Genomics, Inc
Classification: Likely pathogenic for Autosomal dominant nonsyndromic hearing loss 10. Review status: criteria provided, single submitter. Criteria: ACMG Guidelines, 2015. Collection method: clinical testing. Allele origin: germline.
Comment: Null variant in a gene where loss of function (LOF) is a known mechanism of disease.;Absent from controls (or at extremely low frequency if recessive) in Genome Aggregation Database.